The following is an entry in ClinVar:

ClinVar aggregate classification (germline): Uncertain significance (1 of 4 stars; one submission).

Conditions:
Tietz syndrome (TADS). Also called: ALBINISM-DEAFNESS OF TIETZ; HYPOPIGMENTATION/DEAFNESS OF TIETZ; TIETZ ALBINISM-DEAFNESS SYNDROME. Identifiers: Orphanet 42665, MedGen C0391816, MONDO:0007077, OMIM 103500.
Waardenburg syndrome type 2A (WS2A). Also called: WAARDENBURG SYNDROME WITHOUT DYSTOPIA CANTHORUM. Identifiers: Orphanet 3440, MedGen C1860339, MONDO:0008671, OMIM 193510.
Melanoma, cutaneous malignant, susceptibility to, 8. Also called: MELANOMA AND RENAL CELL CARCINOMA, SUSCEPTIBILITY TO; Cutaneous malignant melanoma 8. Identifiers: Orphanet 293822, MedGen C3152204, MONDO:0013759, OMIM 614456.

Submission:

Labcorp Genetics (formerly Invitae), Labcorp
Classification: Uncertain significance for Melanoma, cutaneous malignant, susceptibility to, 8; Waardenburg syndrome type 2A; Tietz syndrome. Last evaluated: 2025-04-20. Review status: criteria provided, single submitter. Criteria: Invitae Variant Classification Sherloc (09022015). Collection method: clinical testing. Allele origin: germline.
Comment: This sequence change affects codon 306 of the MITF mRNA. It is a 'silent' change, meaning that it does not change the encoded amino acid sequence of the MITF protein. This variant is not present in population databases (gnomAD no frequency). This variant has not been reported in the literature in individuals affected with MITF-related conditions. Algorithms developed to predict the effect of sequence changes on RNA splicing suggest that this variant may disrupt the consensus splice site. In summary, the available evidence is currently insufficient to determine the role of this variant in disease. Therefore, it has been classified as a Variant of Uncertain Significance.

NM_001354604.2(MITF):c.1239C>T (p.Cys413=)

Gene: MITF (melanocyte inducing transcription factor; plus strand). Cytogenetic location: 3p13.
Variant type: single nucleotide variant.
Coding change: c.1239C>T on transcript NM_001354604.2 (MANE Select); coding-DNA position 1239, C replaced by T.
Protein change: p.Cys413=; no amino-acid change (cysteine 413 retained).
Molecular consequence: synonymous variant.
Genome position (GRCh38, 1-based): chr3:69,964,906, C>T. VCF-style: chr3-69964906-C-T. GRCh37 (hg19) VCF-style: chr3-70014057-C-T.
Other names: c.918C>T, p.Cys306= (NM_000248.4); c.1065C>T, p.Cys355= (NM_001184967.2, NM_001354608.2); c.1236C>T, p.Cys412= (NM_001354605.2); c.1218C>T, p.Cys406= (NM_001354606.2, NM_006722.3); c.1170C>T, p.Cys390= (NM_001354607.2); c.900C>T, p.Cys300= (NM_198158.3); c.1221C>T, p.Cys407= (NM_198159.3); c.1173C>T, p.Cys391= (NM_198177.3); and 1 more.
Identifiers: ClinVar variation 4789216 (VCV004789216.1).